The following is an entry in ClinVar:

ClinVar aggregate classification (germline): Pathogenic (1 of 4 stars; one submission).

Conditions:
Alveolar capillary dysplasia with pulmonary venous misalignment. Also called: ALVEOLAR CAPILLARY DYSPLASIA WITH MISALIGNMENT OF PULMONARY VEINS AND OTHER CONGENITAL ANOMALIES; Alveolar capillary dysplasia with misalignment of pulmonary veins; Congenital alveolar capillary dysplasia. Identifiers: Orphanet 210122, MedGen C2960310, MONDO:0009934, OMIM 265380.

Submission:

New York Genome Center
Classification: Pathogenic for Alveolar capillary dysplasia with pulmonary venous misalignment. Last evaluated: 2022-03-04. Review status: criteria provided, single submitter. Criteria: NYGC Assertion Criteria 2020. Collection method: clinical testing. Allele origin: de novo. Affected: yes. Observed: 1 heterozygote. Study: PrenatalSEQ.
Comment: The de novo c.802_805del (p.Ala268ProfsTer110) variant identified in the FOXF1 gene is the deletion of 4 nucleotides within exon 1 of 2 (amino acids 268-269/380), and is predicted to lead to a shift of the reading frame resulting in anomalous protein sequence and premature termination of the protein approximately 110 amino acids downstream. This variant is absent from population databases (gnomADv2, gnomADv3, TOPMed Freeze 8), suggesting it is not a common benign variant in the populations represented in those databases. While this variant is absent from ClinVar, many nonsense and frameshift variants downstream of the one identified here have been reported as Pathogenic or Likely Pathogenic (VarIDs:869492, 423429, 1302014, others). The p.Ala268ProfsTer110 variant identified here has not been reported previously in the literature, however a different de novo frameshift variant at the same amino acid, leading to a similar predicted consequence (c.802delG, (p.Ala268ArgfsTer111)) has been reported in an individual with histopathologically verified ACDMPV [Supp. Table E4; PMID:31199666]. Additional frameshift and nonsense variants C-terminal to the one identified here have also been reported in individuals with clinical and histopathologically confirmed ACDMPV [PMID:31199666, 19500772, 23505205, others]. Given its deleterious nature, presence de novo here, and absence in population databases, the de novo c.802_805del (p.Ala268ProfsTer110) variant identified in the FOXF1 gene is reported as Pathogenic.

NM_001451.3(FOXF1):c.802_805del (p.Ala268fs)

Gene: FOXF1 (forkhead box F1; plus strand). Cytogenetic location: 16q24.1.
Variant type: Deletion.
Coding change: c.802_805del on transcript NM_001451.3 (MANE Select); coding-DNA positions 802 to 805, 4 bases deleted (GCGG; older notation c.802_805delGCGG).
Protein change: p.Ala268fs; shifts the reading frame from alanine 268.
Molecular consequence: frameshift variant.
Genome position (GRCh38, 1-based): chr16:86,511,371-86,511,374, GCGG deleted; deleting any 4 consecutive bases within chr16:86,511,370-86,511,374 gives the same sequence; the c. name uses the placement nearest the transcript's 3' end. VCF-style (leftmost placement, unchanged base first): chr16-86511369-CGGCG-C. GRCh37 (hg19) VCF-style: chr16-86544975-CGGCG-C.
Other names: short protein forms A268fs.
Identifiers: ClinVar variation 3235920 (VCV003235920.1), dbSNP rs2507451417, ClinGen allele CA2825002454.